The following is an entry in ClinVar:

ClinVar aggregate classification (germline): Pathogenic. Review status: criteria provided, multiple submitters, no conflicts (2 of 4 stars). 2 submissions from 2 submitters: Pathogenic (2). Last evaluated 2026-02-12.

Conditions:
CHARGE syndrome (CHARGE). Also called: Hittner Hirsch Kreh syndrome; Coloboma, heart anomaly, choanal atresia, retardation, genital and ear anomalies; CHARGE association; Hall-Hittner syndrome; CHARGE ASSOCIATION--COLOBOMA, HEART ANOMALY, CHOANAL ATRESIA, RETARDATION, GENITAL AND EAR ANOMALIES. Identifiers: Orphanet 138, MedGen C0265354, MONDO:0008965.

Submissions (2):

GeneDx
Classification: Pathogenic. Last evaluated: 2026-02-12. Review status: criteria provided, single submitter. Criteria: GeneDx Variant Classification Process June 2021. Collection method: clinical testing. Allele origin: germline. Affected: yes.
Comment: Frameshift variant predicted to result in protein truncation or nonsense mediated decay in a gene for which loss of function is a known mechanism of disease; Not observed at significant frequency in large population cohorts (gnomAD); Has not been previously published as pathogenic or benign to our knowledge

Labcorp Genetics (formerly Invitae), Labcorp
Classification: Pathogenic for CHARGE syndrome. Last evaluated: 2018-08-03. Review status: criteria provided, single submitter. Criteria: Invitae Variant Classification Sherloc (09022015). Collection method: clinical testing. Allele origin: germline.
Comment: For these reasons, this variant has been classified as Pathogenic. Loss-of-function variants in CHD7 are known to be pathogenic (PMID: 22461308, 25077900). This variant has not been reported in the literature in individuals with CHD7-related disease. ClinVar contains an entry for this variant (Variation ID: 524142). This variant is not present in population databases (ExAC no frequency). This sequence change creates a premature translational stop signal (p.Lys602Thrfs*5) in the CHD7 gene. It is expected to result in an absent or disrupted protein product.

Literature cited by the submitters: PubMed 22461308 (cited by Labcorp Genetics (formerly Invitae), Labcorp); PubMed 25077900 (cited by Labcorp Genetics (formerly Invitae), Labcorp).

NM_017780.4(CHD7):c.1803_1806del (p.Lys602fs)

Genes: CHD7 (chromodomain helicase DNA binding protein 7; plus strand), LOC126860403 (CDK7 strongly-dependent group 2 enhancer GRCh37_chr8:61693034-61694233; plus strand). Cytogenetic location: 8q12.2.
Variant type: Deletion.
Coding change: c.1803_1806del on transcript NM_017780.4 (MANE Select); coding-DNA positions 1803 to 1806, 4 bases deleted (GAAA; older notation c.1803_1806delGAAA).
Protein change: p.Lys602fs; shifts the reading frame from lysine 602.
Molecular consequence: frameshift variant. On other transcripts: intron variant (1).
Genome position (GRCh38, 1-based): chr8:60,781,137-60,781,140, GAAA deleted; deleting any 4 consecutive bases within chr8:60,781,134-60,781,140 gives the same sequence; the c. name uses the placement nearest the transcript's 3' end. VCF-style (leftmost placement, unchanged base first): chr8-60781133-AAAAG-A. GRCh37 (hg19) VCF-style: chr8-61693692-AAAAG-A.
Other names: c.1716+87_1716+90del (NM_001316690.1); c.1803_1806del (LRG_176t1, NM_017780.2); c.1803_1806delGAAA (NM_017780.2); short protein forms K602fs.
Identifiers: ClinVar variation 524142 (VCV000524142.10), dbSNP rs1554588671, ClinGen allele CA658795347.